The following is an entry in ClinVar:

ClinVar aggregate classification (germline): Uncertain significance (1 of 4 stars; one submission).

Conditions:
Kabuki syndrome. Also called: Kabuki make-up syndrome; NIIKAWA-KUROKI SYNDROME. Identifiers: Orphanet 2322, MedGen C0796004, MONDO:0016512.

gnomAD v4.1: 1 of 1,613,902 alleles (0.000062%); highest among the groups gnomAD compares: South Asian, 0.0011%; no homozygotes.

Submission:

Labcorp Genetics (formerly Invitae), Labcorp
Classification: Uncertain significance for Kabuki syndrome. Last evaluated: 2021-07-12. Review status: criteria provided, single submitter. Criteria: Invitae Variant Classification Sherloc (09022015). Collection method: clinical testing. Allele origin: germline.
Comment: In summary, the available evidence is currently insufficient to determine the role of this variant in disease. Therefore, it has been classified as a Variant of Uncertain Significance. This sequence change replaces histidine with glutamine at codon 4132 of the KMT2D protein (p.His4132Gln). The histidine residue is moderately conserved and there is a small physicochemical difference between histidine and glutamine. This variant is not present in population databases (ExAC no frequency). This variant has not been reported in the literature in individuals affected with KMT2D-related conditions. Advanced modeling of protein sequence and biophysical properties (such as structural, functional, and spatial information, amino acid conservation, physicochemical variation, residue mobility, and thermodynamic stability) performed at Invitae indicates that this missense variant is not expected to disrupt KMT2D protein function. Algorithms developed to predict the effect of sequence changes on RNA splicing suggest that this variant may create or strengthen a splice site.

NM_003482.4(KMT2D):c.12396C>G (p.His4132Gln)

Gene: KMT2D (lysine methyltransferase 2D; minus strand). Cytogenetic location: 12q13.12.
Variant type: single nucleotide variant.
Coding change: c.12396C>G on transcript NM_003482.4 (MANE Select); coding-DNA position 12396, C replaced by G.
Protein change: p.His4132Gln; replaces histidine 4132 with glutamine.
Molecular consequence: missense variant.
Genome position (GRCh38, 1-based): chr12:49,032,309, G>C on the plus strand (C>G on the coding strand, the complement: KMT2D is on the minus strand). VCF-style: chr12-49032309-G-C. GRCh37 (hg19) VCF-style: chr12-49426092-G-C.
Other names: short protein forms H4132Q.
Identifiers: ClinVar variation 1366897 (VCV001366897.8), dbSNP rs2120430194, ClinGen allele CA384711760.